The following is an entry in ClinVar:

NM_004370.6(COL12A1):c.4001G>T (p.Gly1334Val)

Gene: COL12A1 (collagen type XII alpha 1 chain; minus strand). Cytogenetic location: 6q13.
Variant type: single nucleotide variant.
Coding change: c.4001G>T on transcript NM_004370.6 (MANE Select); coding-DNA position 4001, G replaced by T.
Protein change: p.Gly1334Val; replaces glycine 1334 with valine.
Molecular consequence: missense variant.
Genome position (GRCh38, 1-based): chr6:75,151,287, C>A on the plus strand (G>T on the coding strand, the complement: COL12A1 is on the minus strand). VCF-style: chr6-75151287-C-A. GRCh37 (hg19) VCF-style: chr6-75861003-C-A.
Other names: c.4001G>T, p.Gly1334Val (NM_001424113.1, NM_001424114.1); c.3728G>T, p.Gly1243Val (NM_001424115.1); c.509G>T, p.Gly170Val (NM_001424116.1, NM_080645.3); short protein forms G1243V, G1334V, G170V.
Identifiers: ClinVar variation 2942900 (VCV002942900.3), dbSNP rs2533394697, ClinGen allele CA364747383.
Genomic context (GRCh38, chr6:75,151,287, plus strand): 5'-TGGGTATCATCAGGATCAGTTGCAATCATCTTTAATTCGACTTCATCAGCATTTTTAATA[C>A]CTTCAAAAACGGATATATACAAATTAAAAGCACTTCTCAGAAAAAAATTAATGGAATGAA-3'
Protein context (NP_004361.3, residues 1324-1344): KDEGVELFAI[Gly1334Val]IKNADEVELK

ClinVar aggregate classification (germline): Uncertain significance (1 of 4 stars; one submission).

Conditions:
Ullrich congenital muscular dystrophy 2 (UCMD2). Identifiers: Orphanet 75840, MedGen C4225314, MONDO:0014654, OMIM 616470.
Bethlem myopathy 2 (BTHLM2). Identifiers: Orphanet 536516, Orphanet 610, MedGen C4225313, MONDO:0034022, OMIM 616471.

Submission:

Labcorp Genetics (formerly Invitae), Labcorp
Classification: Uncertain significance for Bethlem myopathy 2; Ullrich congenital muscular dystrophy 2. Last evaluated: 2023-02-09. Review status: criteria provided, single submitter. Criteria: Invitae Variant Classification Sherloc (09022015). Collection method: clinical testing. Allele origin: germline.
Comment: In summary, the available evidence is currently insufficient to determine the role of this variant in disease. Therefore, it has been classified as a Variant of Uncertain Significance. Algorithms developed to predict the effect of missense changes on protein structure and function are either unavailable or do not agree on the potential impact of this missense change (SIFT: "Deleterious"; PolyPhen-2: "Probably Damaging"; Align-GVGD: "Class C0"). This variant has not been reported in the literature in individuals affected with COL12A1-related conditions. This variant is not present in population databases (gnomAD no frequency). This sequence change replaces glycine, which is neutral and non-polar, with valine, which is neutral and non-polar, at codon 1334 of the COL12A1 protein (p.Gly1334Val).